The following is an entry in ClinVar:

NM_170784.3(MKKS):c.727C>T (p.Leu243Phe)

Gene: MKKS (MKKS centrosomal shuttling protein; minus strand). Cytogenetic location: 20p12.2.
Variant type: single nucleotide variant.
Coding change: c.727C>T on transcript NM_170784.3 (MANE Select); coding-DNA position 727, C replaced by T.
Protein change: p.Leu243Phe; replaces leucine 243 with phenylalanine.
Molecular consequence: missense variant.
Genome position (GRCh38, 1-based): chr20:10,412,788, G>A on the plus strand (C>T on the coding strand, the complement: MKKS is on the minus strand). VCF-style: chr20-10412788-G-A. GRCh37 (hg19) VCF-style: chr20-10393436-G-A.
Other names: c.727C>T, p.Leu243Phe (NM_018848.3); short protein forms L243F.
Identifiers: ClinVar variation 1047588 (VCV001047588.8), dbSNP rs2064900976, ClinGen allele CA408232476.

ClinVar aggregate classification (germline): Uncertain significance (1 of 4 stars; one submission).

Conditions:
McKusick-Kaufman syndrome (MKKS). Also called: HYDROMETROCOLPOS SYNDROME; HYDROMETROCOLPOS, POSTAXIAL POLYDACTYLY, AND CONGENITAL HEART MALFORMATION. Identifiers: Orphanet 2473, MedGen C0948368, MONDO:0009367, OMIM 236700.
Bardet-Biedl syndrome (BBS). Identifiers: Orphanet 110, MedGen C0752166, MONDO:0015229.

Submission:

Labcorp Genetics (formerly Invitae), Labcorp
Classification: Uncertain significance for McKusick-Kaufman syndrome; Bardet-Biedl syndrome. Last evaluated: 2023-08-04. Review status: criteria provided, single submitter. Criteria: Invitae Variant Classification Sherloc (09022015). Collection method: clinical testing. Allele origin: germline.
Comment: This sequence change replaces leucine, which is neutral and non-polar, with phenylalanine, which is neutral and non-polar, at codon 243 of the MKKS protein (p.Leu243Phe). This variant is not present in population databases (gnomAD no frequency). This variant has not been reported in the literature in individuals affected with MKKS-related conditions. ClinVar contains an entry for this variant (Variation ID: 1047588). Advanced modeling of protein sequence and biophysical properties (such as structural, functional, and spatial information, amino acid conservation, physicochemical variation, residue mobility, and thermodynamic stability) has been performed at Invitae for this missense variant, however the output from this modeling did not meet the statistical confidence thresholds required to predict the impact of this variant on MKKS protein function. In summary, the available evidence is currently insufficient to determine the role of this variant in disease. Therefore, it has been classified as a Variant of Uncertain Significance.